The following is an entry in ClinVar:

NM_015213.4(DENND5A):c.544G>A (p.Asp182Asn)

Gene: DENND5A (DENN domain containing 5A; minus strand). Cytogenetic location: 11p15.4.
Variant type: single nucleotide variant.
Coding change: c.544G>A on transcript NM_015213.4 (MANE Select); coding-DNA position 544, G replaced by A.
Protein change: p.Asp182Asn; replaces aspartic acid 182 with asparagine.
Molecular consequence: missense variant. On other transcripts: non-coding transcript variant (1).
Genome position (GRCh38, 1-based): chr11:9,204,065, C>T on the plus strand (G>A on the coding strand, the complement: DENND5A is on the minus strand). VCF-style: chr11-9204065-C-T. GRCh37 (hg19) VCF-style: chr11-9225612-C-T.
Other names: c.544G>A, p.Asp182Asn (NM_001243254.2, NM_001348748.1); c.472G>A, p.Asp158Asn (NM_001348749.2); c.256G>A, p.Asp86Asn (NM_001348750.2); short protein forms D158N, D182N, D86N.
Identifiers: ClinVar variation 1983937 (VCV001983937.2), dbSNP rs777452245, ClinGen allele CA5877798.

ClinVar aggregate classification (germline): Uncertain significance. Review status: criteria provided, multiple submitters, no conflicts (2 of 4 stars). 2 submissions from 2 submitters: Uncertain significance (2). Last evaluated 2022-09-27.

Conditions:
Inborn genetic diseases. Identifiers: MedGen C0950123, MeSH D030342.

Allele frequency attached by ClinVar (database versions not stated): gnomAD 0.00002; gnomAD exomes 0.00002; ExAC 0.00003; TOPMed 0.00005.
gnomAD v4.1: 40 of 1,614,076 alleles (0.0025%); highest among the groups gnomAD compares: Admixed American, 0.013%; no homozygotes.

Submissions (2):

Ambry Genetics
Classification: Uncertain significance for Inborn genetic diseases. Last evaluated: 2022-09-27. Review status: criteria provided, single submitter. Criteria: Ambry Variant Classification Scheme 2023. Collection method: clinical testing. Allele origin: germline.

Labcorp Genetics (formerly Invitae), Labcorp
Classification: Uncertain significance. Last evaluated: 2022-09-07. Review status: criteria provided, single submitter. Criteria: Invitae Variant Classification Sherloc (09022015). Collection method: clinical testing. Allele origin: germline.
Comment: This sequence change replaces aspartic acid, which is acidic and polar, with asparagine, which is neutral and polar, at codon 182 of the DENND5A protein (p.Asp182Asn). This variant is present in population databases (rs777452245, gnomAD 0.01%). This variant has not been reported in the literature in individuals affected with DENND5A-related conditions. Algorithms developed to predict the effect of missense changes on protein structure and function (SIFT, PolyPhen-2, Align-GVGD) all suggest that this variant is likely to be tolerated. In summary, the available evidence is currently insufficient to determine the role of this variant in disease. Therefore, it has been classified as a Variant of Uncertain Significance.